The following is an entry in ClinVar:

ClinVar aggregate classification (germline): Likely benign (1 of 4 stars; one submission).

gnomAD v4.1: 35 of 1,613,350 alleles (0.0022%); highest among the groups gnomAD compares: East Asian, 0.025%; no homozygotes.

Submission:

CeGaT Center for Human Genetics Tuebingen
Classification: Likely benign. Last evaluated: 2026-08-01. Review status: criteria provided, single submitter. Criteria: CeGaT Center For Human Genetics Tuebingen Variant Classification Criteria Version 2. Collection method: clinical testing. Allele origin: germline. Affected: yes. Observed: 1 variant allele.
Comment: ACTL6A: BP4, BP7

NM_004301.5(ACTL6A):c.660A>G (p.Pro220=)

Gene: ACTL6A (actin like 6A; plus strand). Cytogenetic location: 3q26.33.
Variant type: single nucleotide variant.
Coding change: c.660A>G on transcript NM_004301.5 (MANE Select); coding-DNA position 660, A replaced by G.
Protein change: p.Pro220=; no amino-acid change (proline 220 retained).
Molecular consequence: synonymous variant.
Genome position (GRCh38, 1-based): chr3:179,576,708, A>G. VCF-style: chr3-179576708-A-G. GRCh37 (hg19) VCF-style: chr3-179294496-A-G.
Other names: c.534A>G, p.Pro178= (NM_177989.4, NM_178042.4).
Identifiers: ClinVar variation 5039503 (VCV005039503.1).